The following is an entry in ClinVar:

ClinVar aggregate classification (germline): Uncertain significance (1 of 4 stars; one submission).

Submission:

GeneDx
Classification: Uncertain significance. Last evaluated: 2025-01-09. Review status: criteria provided, single submitter. Criteria: GeneDx Variant Classification Process June 2021. Collection method: clinical testing. Allele origin: germline. Affected: yes.
Comment: Not observed at significant frequency in large population cohorts (gnomAD); In silico analysis supports that this missense variant has a deleterious effect on protein structure/function; This substitution is predicted to be in the cytoplasmic loop between the first and second homologous domains; Has not been previously published as pathogenic or benign to our knowledge

NM_001040142.2(SCN2A):c.1768G>A (p.Glu590Lys)

Gene: SCN2A (sodium voltage-gated channel alpha subunit 2; plus strand). Cytogenetic location: 2q24.3.
Variant type: single nucleotide variant.
Coding change: c.1768G>A on transcript NM_001040142.2 (MANE Select); coding-DNA position 1768, G replaced by A.
Protein change: p.Glu590Lys; replaces glutamic acid 590 with lysine.
Molecular consequence: missense variant.
Genome position (GRCh38, 1-based): chr2:165,323,252, G>A. VCF-style: chr2-165323252-G-A. GRCh37 (hg19) VCF-style: chr2-166179762-G-A.
Other names: c.1768G>A, p.Glu590Lys (NM_001040143.2, NM_001371246.1, NM_001371247.1 and 1 more transcripts); short protein forms E590K.
Identifiers: ClinVar variation 4057084 (VCV004057084.1).